The following is an entry in ClinVar:

ClinVar aggregate classification (germline): Uncertain significance. Review status: criteria provided, multiple submitters, no conflicts (2 of 4 stars). 2 submissions from 2 submitters: Uncertain significance (2). Last evaluated 2025-01-23.

Conditions:
Chromosome 2q32-q33 deletion syndrome (GLASS). Also called: Glass syndrome; 2q33.1 deletion syndrome. Identifiers: Orphanet 251019, MedGen C2676739, MONDO:0012864, OMIM 612313.
Inborn genetic diseases. Identifiers: MedGen C0950123, MeSH D030342.

gnomAD v4.1: 2 of 1,614,096 alleles (0.00012%); highest among the groups gnomAD compares: Non-Finnish European, 0.00017%; no homozygotes.

Submissions (2):

Labcorp Genetics (formerly Invitae), Labcorp
Classification: Uncertain significance for Chromosome 2q32-q33 deletion syndrome. Last evaluated: 2025-01-23. Review status: criteria provided, single submitter. Criteria: Invitae Variant Classification Sherloc (09022015). Collection method: clinical testing. Allele origin: germline.
Comment: This sequence change replaces serine, which is neutral and polar, with alanine, which is neutral and non-polar, at codon 622 of the SATB2 protein (p.Ser622Ala). This variant is not present in population databases (gnomAD no frequency). This variant has not been reported in the literature in individuals affected with SATB2-related conditions. Invitae Evidence Modeling of protein sequence and biophysical properties (such as structural, functional, and spatial information, amino acid conservation, physicochemical variation, residue mobility, and thermodynamic stability) indicates that this missense variant is expected to disrupt SATB2 protein function with a positive predictive value of 95%. In summary, the available evidence is currently insufficient to determine the role of this variant in disease. Therefore, it has been classified as a Variant of Uncertain Significance.

Ambry Genetics
Classification: Uncertain significance for Inborn genetic diseases. Last evaluated: 2024-11-19. Review status: criteria provided, single submitter. Criteria: Ambry Variant Classification Scheme 2023. Collection method: clinical testing. Allele origin: germline.

NM_001172509.2(SATB2):c.1864T>G (p.Ser622Ala)

Genes: SATB2 (SATB homeobox 2; minus strand), LOC126806462 (MED14-independent group 3 enhancer GRCh37_chr2:200136608-200137807; plus strand). Cytogenetic location: 2q33.1.
Variant type: single nucleotide variant.
Coding change: c.1864T>G on transcript NM_001172509.2 (MANE Select); coding-DNA position 1864, T replaced by G.
Protein change: p.Ser622Ala; replaces serine 622 with alanine.
Molecular consequence: missense variant.
Genome position (GRCh38, 1-based): chr2:199,272,549, A>C on the plus strand (T>G on the coding strand, the complement: SATB2 is on the minus strand). VCF-style: chr2-199272549-A-C. GRCh37 (hg19) VCF-style: chr2-200137272-A-C.
Other names: c.1864T>G, p.Ser622Ala (NM_001172517.1, NM_015265.4); short protein forms S622A.
Identifiers: ClinVar variation 3437461 (VCV003437461.3).